The following is an entry in ClinVar:

ClinVar aggregate classification (germline): Uncertain significance (1 of 4 stars; one submission).

gnomAD v4.1: 20 of 1,209,875 alleles (0.0017%); highest among the groups gnomAD compares: East Asian, 0.003%; no homozygotes.

Submission:

Ambry Genetics
Classification: Uncertain significance. Last evaluated: 2026-08-12. Review status: criteria provided, single submitter. Criteria: Ambry Variant Classification Scheme 2023. Collection method: clinical testing. Allele origin: germline.
Comment: The c.112C>T (p.R38W) alteration is located in exon 4 (coding exon 2) of the CCDC120 gene. This alteration results from a C to T substitution at nucleotide position 112, causing the arginine (R) at amino acid position 38 to be replaced by a tryptophan (W). Based on data from gnomAD, the T allele has an overall frequency of 0.001% (2/179757) total alleles studied. The highest observed frequency was 0.003% (2/79935) of European (non-Finnish) alleles. Based on insufficient or conflicting evidence, the clinical significance of this alteration remains unclear.

NM_001163321.4(CCDC120):c.217C>T (p.Arg73Trp)

Gene: CCDC120 (coiled-coil domain containing 120; plus strand). Cytogenetic location: Xp11.23.
Variant type: single nucleotide variant.
Coding change: c.217C>T on transcript NM_001163321.4 (MANE Select); coding-DNA position 217, C replaced by T.
Protein change: p.Arg73Trp; replaces arginine 73 with tryptophan.
Molecular consequence: missense variant.
Genome position (GRCh38, 1-based): chrX:49,062,530, C>T. VCF-style: chrX-49062530-C-T. GRCh37 (hg19) VCF-style: chrX-48920061-C-T.
Other names: c.76C>T, p.Arg26Trp (NM_001163322.2, NM_001163323.3); c.112C>T, p.Arg38Trp (NM_001271835.1, NM_001271836.2, NM_033626.3); short protein forms R38W, R73W, R26W.
Identifiers: ClinVar variation 5033787 (VCV005033787.1).